The following is an entry in ClinVar:

NM_033118.4(MYLK2):c.187del (p.Asp63fs)

Gene: MYLK2 (myosin light chain kinase 2; plus strand). Cytogenetic location: 20q11.21.
Variant type: Deletion.
Coding change: c.187del on transcript NM_033118.4 (MANE Select); coding-DNA position 187, one base deleted (G; older notation c.187delG).
Protein change: p.Asp63fs; shifts the reading frame from aspartic acid 63.
Molecular consequence: frameshift variant.
Genome position (GRCh38, 1-based): chr20:31,820,260, G deleted; the last of 4 consecutive G bases (chr20:31,820,257-31,820,260); deleting any one gives the same sequence. VCF-style (leftmost placement, unchanged base first): chr20-31820256-AG-A. GRCh37 (hg19) VCF-style: chr20-30408059-AG-A.
Other names: short protein forms D63fs.
Identifiers: ClinVar variation 3700627 (VCV003700627.2).
Genomic context (GRCh38, chr20:31,820,256, plus strand): 5'-AAAGAAAGCTCCGGATCCACCCACCCTGAAGAAAGATGCCAAAGCCCCTGCCTCAGAGAA[AG>A]GGGATGGTACCCTGGCCCAACCCTCAACTAGCAGCCAAGGCCCCAAAGGAGAGGGTGACA-3'

ClinVar aggregate classification (germline): Uncertain significance (1 of 4 stars; one submission).

Conditions:
Hypertrophic cardiomyopathy 1 (CMH1). Also called: Familial hypertrophic cardiomyopathy 1; MYH7-Related Familial Hypertrophic Cardiomyopathy. Identifiers: MedGen C3495498, MONDO:0008647, OMIM 192600.

Submission:

Labcorp Genetics (formerly Invitae), Labcorp
Classification: Uncertain significance for Hypertrophic cardiomyopathy 1. Last evaluated: 2025-12-29. Review status: criteria provided, single submitter. Criteria: Invitae Variant Classification Sherloc (09022015). Collection method: clinical testing. Allele origin: germline.
Comment: This sequence change creates a premature translational stop signal (p.Asp63Metfs*119) in the MYLK2 gene. It is expected to result in an absent or disrupted protein product. However, the current clinical and genetic evidence is not sufficient to establish whether loss-of-function variants in MYLK2 cause disease. This variant is not present in population databases (gnomAD no frequency). This variant has not been reported in the literature in individuals affected with MYLK2-related conditions. ClinVar contains an entry for this variant (Variation ID: 3700627). In summary, the available evidence is currently insufficient to determine the role of this variant in disease. Therefore, it has been classified as a Variant of Uncertain Significance.